The following is an entry in ClinVar:

NM_174916.3(UBR1):c.4235C>G (p.Ala1412Gly)

Gene: UBR1 (ubiquitin protein ligase E3 component n-recognin 1; minus strand). Cytogenetic location: 15q15.2.
Variant type: single nucleotide variant.
Coding change: c.4235C>G on transcript NM_174916.3 (MANE Select); coding-DNA position 4235, C replaced by G.
Protein change: p.Ala1412Gly; replaces alanine 1412 with glycine.
Molecular consequence: missense variant.
Genome position (GRCh38, 1-based): chr15:42,976,851, G>C on the plus strand (C>G on the coding strand, the complement: UBR1 is on the minus strand). VCF-style: chr15-42976851-G-C. GRCh37 (hg19) VCF-style: chr15-43269049-G-C.
Other names: short protein forms A1412G.
Identifiers: ClinVar variation 4698289 (VCV004698289.1).

ClinVar aggregate classification (germline): Uncertain significance (1 of 4 stars; one submission).

gnomAD v4.1: 11 of 1,613,740 alleles (0.00068%); highest among the groups gnomAD compares: African/African-American, 0.0013%; no homozygotes.

Submission:

Labcorp Genetics (formerly Invitae), Labcorp
Classification: Uncertain significance. Last evaluated: 2025-10-08. Review status: criteria provided, single submitter. Criteria: Invitae Variant Classification Sherloc (09022015). Collection method: clinical testing. Allele origin: germline.
Comment: This sequence change replaces alanine, which is neutral and non-polar, with glycine, which is neutral and non-polar, at codon 1412 of the UBR1 protein (p.Ala1412Gly). This variant is present in population databases (no rsID available, gnomAD 0.0009%). This variant has not been reported in the literature in individuals affected with UBR1-related conditions. Invitae Evidence Modeling of protein sequence and biophysical properties (such as structural, functional, and spatial information, amino acid conservation, physicochemical variation, residue mobility, and thermodynamic stability) indicates that this missense variant is expected to disrupt UBR1 protein function with a positive predictive value of 80%. In summary, the available evidence is currently insufficient to determine the role of this variant in disease. Therefore, it has been classified as a Variant of Uncertain Significance.